The following is an entry in ClinVar:

ClinVar aggregate classification (germline): Uncertain significance (1 of 4 stars; one submission).

Submission:

Ambry Genetics
Classification: Uncertain significance. Last evaluated: 2022-03-16. Review status: criteria provided, single submitter. Criteria: Ambry Variant Classification Scheme 2023. Collection method: clinical testing. Allele origin: germline.
Comment: The p.L7S variant (also known as c.20T>C), located in coding exon 1 of the TERF2IP gene, results from a T to C substitution at nucleotide position 20. The leucine at codon 7 is replaced by serine, an amino acid with dissimilar properties. This amino acid position is conserved. In addition, this alteration is predicted to be tolerated by in silico analysis. Since supporting evidence is limited at this time, the clinical significance of this alteration remains unclear.

NM_018975.4(TERF2IP):c.20T>C (p.Leu7Ser)

Gene: TERF2IP (TERF2 interacting protein; plus strand). Cytogenetic location: 16q23.1.
Variant type: single nucleotide variant.
Coding change: c.20T>C on transcript NM_018975.4 (MANE Select); coding-DNA position 20, T replaced by C.
Protein change: p.Leu7Ser; replaces leucine 7 with serine.
Molecular consequence: missense variant. On other transcripts: non-coding transcript variant (1).
Genome position (GRCh38, 1-based): chr16:75,647,902, T>C. VCF-style: chr16-75647902-T-C. GRCh37 (hg19) VCF-style: chr16-75681800-T-C.
Other names: short protein forms L7S.
Identifiers: ClinVar variation 1785892 (VCV001785892.2), dbSNP rs2507072110, ClinGen allele CA396817061.